The following is an entry in ClinVar:

ClinVar aggregate classification (germline): Uncertain significance (1 of 4 stars; one submission).

Allele frequency attached by ClinVar (database versions not stated): TOPMed 0.00001.

Submission:

Labcorp Genetics (formerly Invitae), Labcorp
Classification: Uncertain significance. Last evaluated: 2025-11-23. Review status: criteria provided, single submitter. Criteria: Invitae Variant Classification Sherloc (09022015). Collection method: clinical testing. Allele origin: germline.
Comment: This sequence change affects codon 258 of the THBD mRNA. It is a 'silent' change, meaning that it does not change the encoded amino acid sequence of the THBD protein. This variant is not present in population databases (gnomAD no frequency). This variant has not been reported in the literature in individuals affected with THBD-related conditions. ClinVar contains an entry for this variant (Variation ID: 2795073). In summary, the available evidence is currently insufficient to determine the role of this variant in disease. Therefore, it has been classified as a Variant of Uncertain Significance.

NM_000361.3(THBD):c.774G>T (p.Ala258=)

Gene: THBD (thrombomodulin; minus strand). Cytogenetic location: 20p11.21.
Variant type: single nucleotide variant.
Coding change: c.774G>T on transcript NM_000361.3 (MANE Select); coding-DNA position 774, G replaced by T.
Protein change: p.Ala258=; no amino-acid change (alanine 258 retained).
Molecular consequence: synonymous variant.
Genome position (GRCh38, 1-based): chr20:23,048,731, C>A on the plus strand (G>T on the coding strand, the complement: THBD is on the minus strand). VCF-style: chr20-23048731-C-A. GRCh37 (hg19) VCF-style: chr20-23029368-C-A.
Identifiers: ClinVar variation 2795073 (VCV002795073.3), dbSNP rs903382335, ClinGen allele CA313551605.